The following is an entry in ClinVar:

ClinVar aggregate classification (germline): Conflicting classifications of pathogenicity. Review status: criteria provided, conflicting classifications (1 of 4 stars). 4 submissions from 4 submitters: Uncertain significance (2); Likely benign (1). 1 of the submissions does not count toward it. Last evaluated 2025-12-16.

Conditions:
Glycine encephalopathy 2 (GCE2). Identifiers: MedGen C5830559, MONDO:0958192, OMIM 620398.
Glycine encephalopathy. Also called: Non-ketotic hyperglycinemia; Nonketotic hyperglycinemia. Identifiers: Orphanet 407, MedGen C0751748, MONDO:0011612, HP:0008288.

Allele frequency attached by ClinVar (database versions not stated): gnomAD exomes 0.00008 and 0.00026; gnomAD 0.00009 and 0.00012; TOPMed 0.00018; ExAC 0.00022; 1000 Genomes Project 0.00080; 1000 Genomes Project 30x 0.00094.
gnomAD v4.1: 134 of 1,614,160 alleles (0.0083%); highest among the groups gnomAD compares: East Asian, 0.29%; no homozygotes.

Submissions (4):

Labcorp Genetics (formerly Invitae), Labcorp
Classification: Likely benign for Glycine encephalopathy. Last evaluated: 2025-12-16. Review status: criteria provided, single submitter. Criteria: Invitae Variant Classification Sherloc (09022015). Collection method: clinical testing. Allele origin: germline.

ARUP Laboratories, Molecular Genetics and Genomics, ARUP Laboratories
Classification: Uncertain significance for Glycine encephalopathy 2. Last evaluated: 2025-03-20. Review status: criteria provided, single submitter. Criteria: ARUP Molecular Germline Variant Investigation Process 2024. Collection method: clinical testing. Allele origin: germline.

Illumina Laboratory Services, Illumina
Classification: Uncertain significance for Glycine encephalopathy 1. Last evaluated: 2017-04-27. Review status: criteria provided, single submitter. Criteria: ICSL Variant Classification Criteria 13 December 2019. Collection method: clinical testing. Allele origin: germline.
Comment: This variant was observed as part of a predisposition screen in an ostensibly healthy population. A literature search was performed for the gene, cDNA change, and amino acid change (where applicable). Publications were found based on this search. However, the evidence from the literature, in combination with allele frequency data from public databases where available, was not sufficient to rule this variant in or out of causing disease. Therefore, this variant is classified as a variant of unknown significance.

Natera, Inc.
Classification: Likely benign for Non-ketotic hyperglycinemia. Last evaluated: 2020-08-17. Review status: no assertion criteria provided. Collection method: clinical testing. Allele origin: germline. Not counted in ClinVar's aggregate classification.

Literature cited by the submitters: PubMed 22171071 (cited by Illumina Laboratory Services, Illumina).

NM_000481.4(AMT):c.589G>C (p.Asp197His)

Gene: AMT (aminomethyltransferase; minus strand). Cytogenetic location: 3p21.31.
Variant type: single nucleotide variant.
Coding change: c.589G>C on transcript NM_000481.4 (MANE Select); coding-DNA position 589, G replaced by C.
Protein change: p.Asp197His; replaces aspartic acid 197 with histidine.
Molecular consequence: missense variant. On other transcripts: non-coding transcript variant (1).
Genome position (GRCh38, 1-based): chr3:49,419,367, C>G on the plus strand (G>C on the coding strand, the complement: AMT is on the minus strand). VCF-style: chr3-49419367-C-G. GRCh37 (hg19) VCF-style: chr3-49456800-C-G.
Other names: c.457G>C, p.Asp153His (NM_001164710.2); c.421G>C, p.Asp141His (NM_001164711.2); c.589G>C, p.Asp197His (NM_001164712.2); short protein forms D153H, D141H, D197H.
Identifiers: ClinVar variation 766817 (VCV000766817.18), dbSNP rs200550585, ClinGen allele CA2398303.